The following is an entry in ClinVar:

NM_001377.3(DYNC2H1):c.145A>T (p.Met49Leu)

Gene: DYNC2H1 (dynein cytoplasmic 2 heavy chain 1; plus strand). Cytogenetic location: 11q22.3.
Variant type: single nucleotide variant.
Coding change: c.145A>T on transcript NM_001377.3 (MANE Select); coding-DNA position 145, A replaced by T.
Protein change: p.Met49Leu; replaces methionine 49 with leucine.
Molecular consequence: missense variant.
Genome position (GRCh38, 1-based): chr11:103,109,719, A>T. VCF-style: chr11-103109719-A-T. GRCh37 (hg19) VCF-style: chr11-102980448-A-T.
Other names: c.145A>T, p.Met49Leu (NM_001080463.2); short protein forms M49L.
Identifiers: ClinVar variation 2740000 (VCV002740000.2), dbSNP rs746390478, ClinGen allele CA382241219.

ClinVar aggregate classification (germline): Uncertain significance (1 of 4 stars; one submission).

Conditions:
Jeune thoracic dystrophy. Also called: Short-rib thoracic dysplasia; Jeune syndrome; Infantile thoracic dystrophy; Thoracic pelvic phalangeal dystrophy; Jeune's syndrome; Chondroectodermal dysplasia-like syndrome. Identifiers: Orphanet 474, MedGen C0265275, MONDO:0018770.

gnomAD v4.1: 5 of 1,613,910 alleles (0.00031%); highest among the groups gnomAD compares: Non-Finnish European, 0.00042%; no homozygotes.

Submission:

Labcorp Genetics (formerly Invitae), Labcorp
Classification: Uncertain significance for Jeune thoracic dystrophy. Last evaluated: 2025-06-09. Review status: criteria provided, single submitter. Criteria: Invitae Variant Classification Sherloc (09022015). Collection method: clinical testing. Allele origin: germline.
Comment: This sequence change replaces methionine, which is neutral and non-polar, with leucine, which is neutral and non-polar, at codon 49 of the DYNC2H1 protein (p.Met49Leu). This variant is not present in population databases (gnomAD no frequency). This variant has not been reported in the literature in individuals affected with DYNC2H1-related conditions. ClinVar contains an entry for this variant (Variation ID: 2740000). Invitae Evidence Modeling of protein sequence and biophysical properties (such as structural, functional, and spatial information, amino acid conservation, physicochemical variation, residue mobility, and thermodynamic stability) indicates that this missense variant is not expected to disrupt DYNC2H1 protein function with a negative predictive value of 95%. In summary, the available evidence is currently insufficient to determine the role of this variant in disease. Therefore, it has been classified as a Variant of Uncertain Significance.